The following is an entry in ClinVar:

NM_025103.4(IFT74):c.587+1G>C

Gene: IFT74 (intraflagellar transport 74; plus strand). Cytogenetic location: 9p21.2.
Variant type: single nucleotide variant.
Coding change: c.587+1G>C on transcript NM_025103.4 (MANE Select); the canonical splice donor site of the intron after coding-DNA position 587, G replaced by C.
Molecular consequence: splice donor variant.
Genome position (GRCh38, 1-based): chr9:26,990,196, G>C. VCF-style: chr9-26990196-G-C. GRCh37 (hg19) VCF-style: chr9-26990194-G-C.
Other names: c.587+1G>C (NM_025103.2, NM_001099223.3, NM_001099222.3 and 2 more transcripts).
Identifiers: ClinVar variation 2031275 (VCV002031275.5), dbSNP rs1334193252, ClinGen allele CA373130311.

ClinVar aggregate classification (germline): Likely pathogenic. Review status: criteria provided, single submitter (1 of 4 stars). 2 submissions from 2 submitters: Likely pathogenic (1). 1 of the submissions does not count toward it. Last evaluated 2022-09-20.

Conditions:
IFT74-related disorder. Also called: IFT74-Related Disorders; IFT74-related condition.

Submissions (2):

Labcorp Genetics (formerly Invitae), Labcorp
Classification: Likely pathogenic. Last evaluated: 2022-09-20. Review status: criteria provided, single submitter. Criteria: Invitae Variant Classification Sherloc (09022015). Collection method: clinical testing. Allele origin: germline.
Comment: This sequence change affects a donor splice site in intron 8 of the IFT74 gene. It is expected to disrupt RNA splicing. Variants that disrupt the donor or acceptor splice site typically lead to a loss of protein function (PMID: 16199547), and loss-of-function variants in IFT74 are known to be pathogenic (PMID: 33531668). In summary, the currently available evidence indicates that the variant is pathogenic, but additional data are needed to prove that conclusively. Therefore, this variant has been classified as Likely Pathogenic. Algorithms developed to predict the effect of sequence changes on RNA splicing suggest that this variant may disrupt the consensus splice site. This variant has not been reported in the literature in individuals affected with IFT74-related conditions. This variant is not present in population databases (gnomAD no frequency).

PreventionGenetics, part of Exact Sciences
Classification: Likely pathogenic for IFT74-related condition. Last evaluated: 2024-06-05. Review status: no assertion criteria provided. Collection method: clinical testing. Allele origin: germline. Not counted in ClinVar's aggregate classification.
Comment: The IFT74 c.587+1G>C variant is predicted to disrupt the GT donor site and interfere with normal splicing. To our knowledge, this variant has not been reported in the literature or in a large population database, indicating this variant is rare. Variants that disrupt the consensus splice donor site in IFT74 are expected to be pathogenic. This variant is interpreted as likely pathogenic.

Literature cited by the submitters: PubMed 16199547 (cited by Labcorp Genetics (formerly Invitae), Labcorp); PubMed 33531668 (cited by Labcorp Genetics (formerly Invitae), Labcorp).